The following is an entry in ClinVar:

ClinVar aggregate classification (germline): Uncertain significance (1 of 4 stars; one submission).

Submission:

GeneDx
Classification: Uncertain significance. Last evaluated: 2020-01-13. Review status: criteria provided, single submitter. Criteria: GeneDx Variant Classification Process June 2021. Collection method: clinical testing. Allele origin: germline. Affected: yes.
Comment: Not observed at a significant frequency in large population cohorts (Lek et al., 2016); In-frame deletion of 2 amino acids in a non-repeat region; In silico analysis, which includes protein predictors and evolutionary conservation, supports a deleterious effect; Has not been previously published as pathogenic or benign to our knowledge

NM_004341.5(CAD):c.4545_4550del (p.1516LA[1])

Gene: CAD (carbamoyl-phosphate synthetase 2, aspartate transcarbamylase, and dihydroorotase; plus strand). Cytogenetic location: 2p23.3.
Variant type: Deletion.
Coding change: c.4545_4550del on transcript NM_004341.5 (MANE Select); coding-DNA positions 4545 to 4550, 6 bases deleted (TCTGGC; older notation c.4545_4550delTCTGGC).
Protein change: p.1516LA[1].
Molecular consequence: inframe deletion.
Genome position (GRCh38, 1-based): chr2:27,237,527-27,237,532, TCTGGC deleted; deleting any 6 consecutive bases within chr2:27,237,525-27,237,532 gives the same sequence; the c. name uses the placement nearest the transcript's 3' end. VCF-style (leftmost placement, unchanged base first): chr2-27237524-TGCTCTG-T. GRCh37 (hg19) VCF-style: chr2-27460392-TGCTCTG-T.
Other names: c.4356_4361del, p.1453LA[1] (NM_001306079.2).
Identifiers: ClinVar variation 1311169 (VCV001311169.2), dbSNP rs1223209419, ClinGen allele CA531763960.
Genomic context (GRCh38, chr2:27,237,524, plus strand): 5'-TGGGGGTATCACCATGGTGTGTGCCATGCCTAATACCCGGCCCCCCATCATTGACGCCCC[TGCTCTG>T]GCCCTGGCCCAGAAGGTGAGCCACTGCACTCTTCCTGGTATTGGAGACCCATATGCCCCT-3'